The following is an entry in ClinVar:

ClinVar aggregate classification (germline): Uncertain significance. Review status: criteria provided, multiple submitters, no conflicts (2 of 4 stars). 2 submissions from 2 submitters: Uncertain significance (2). Last evaluated 2023-03-05.

Conditions:
Hereditary cancer-predisposing syndrome. Also called: Hereditary neoplastic syndrome; Tumor predisposition; Neoplastic Syndromes, Hereditary; Hereditary Cancer Syndrome. Identifiers: Orphanet 140162, MedGen C0027672, MeSH D009386, MONDO:0015356.

Submissions (2):

Ambry Genetics
Classification: Uncertain significance for Hereditary cancer-predisposing syndrome. Last evaluated: 2023-03-05. Review status: criteria provided, single submitter. Criteria: Ambry Variant Classification Scheme 2023. Collection method: clinical testing. Allele origin: germline.
Comment: The p.E260D variant (also known as c.780G>T), located in coding exon 5 of the NTHL1 gene, results from a G to T substitution at nucleotide position 780. The glutamic acid at codon 260 is replaced by aspartic acid, an amino acid with highly similar properties. This amino acid position is conserved. In addition, the in silico prediction for this alteration is inconclusive. Since supporting evidence is limited at this time, the clinical significance of this alteration remains unclear.

Labcorp Genetics (formerly Invitae), Labcorp
Classification: Uncertain significance. Last evaluated: 2021-05-15. Review status: criteria provided, single submitter. Criteria: Invitae Variant Classification Sherloc (09022015). Collection method: clinical testing. Allele origin: germline.
Comment: In summary, the available evidence is currently insufficient to determine the role of this variant in disease. Therefore, it has been classified as a Variant of Uncertain Significance. Algorithms developed to predict the effect of missense changes on protein structure and function are either unavailable or do not agree on the potential impact of this missense change (SIFT: "Not Available"; PolyPhen-2: "Possibly Damaging"; Align-GVGD: "Not Available"). This variant has not been reported in the literature in individuals with NTHL1-related conditions. This variant is not present in population databases (ExAC no frequency). This sequence change replaces glutamic acid with aspartic acid at codon 260 of the NTHL1 protein (p.Glu260Asp). The glutamic acid residue is highly conserved and there is a small physicochemical difference between glutamic acid and aspartic acid.

NM_002528.7(NTHL1):c.756G>T (p.Glu252Asp)

Gene: NTHL1 (nth like DNA glycosylase 1; minus strand). Cytogenetic location: 16p13.3.
Variant type: single nucleotide variant.
Coding change: c.756G>T on transcript NM_002528.7 (MANE Select); coding-DNA position 756, G replaced by T.
Protein change: p.Glu252Asp; replaces glutamic acid 252 with aspartic acid.
Molecular consequence: missense variant.
Genome position (GRCh38, 1-based): chr16:2,040,168, C>A on the plus strand (G>T on the coding strand, the complement: NTHL1 is on the minus strand). VCF-style: chr16-2040168-C-A. GRCh37 (hg19) VCF-style: chr16-2090169-C-A.
Other names: c.585G>T, p.Glu195Asp (NM_001318193.2); c.426G>T, p.Glu142Asp (NM_001318194.2); c.780G>T (NM_002528.5); short protein forms E142D, E252D, E195D.
Identifiers: ClinVar variation 1505878 (VCV001505878.8), dbSNP rs2150938294, ClinGen allele CA394288868.